The following is an entry in ClinVar:

ClinVar aggregate classification (germline): Uncertain significance. Review status: criteria provided, multiple submitters, no conflicts (2 of 4 stars). 2 submissions from 2 submitters: Uncertain significance (2). Last evaluated 2024-05-22.

Conditions:
Autosomal recessive limb-girdle muscular dystrophy type R18 (LGMDR18). Also called: MUSCULAR DYSTROPHY, LIMB-GIRDLE, AUTOSOMAL RECESSIVE 18; Autosomal recessive limb-girdle muscular dystrophy type 2S; Limb-girdle muscular dystrophy, type 2S. Identifiers: Orphanet 369840, MedGen C4517996, MONDO:0014144, OMIM 615356.

Allele frequency attached by ClinVar (database versions not stated): gnomAD 0.00001; TOPMed 0.00002; gnomAD exomes 0.00003.
gnomAD v4.1: 42 of 1,613,742 alleles (0.0026%); highest among the groups gnomAD compares: Non-Finnish European, 0.0035%; no homozygotes.

Submissions (2):

GeneDx
Classification: Uncertain significance. Last evaluated: 2024-05-22. Review status: criteria provided, single submitter. Criteria: GeneDx Variant Classification Process June 2021. Collection method: clinical testing. Allele origin: germline. Affected: yes.
Comment: Not observed at significant frequency in large population cohorts (gnomAD); In silico analysis indicates that this missense variant does not alter protein structure/function; Has not been previously published as pathogenic or benign to our knowledge

Labcorp Genetics (formerly Invitae), Labcorp
Classification: Uncertain significance for Autosomal recessive limb-girdle muscular dystrophy type R18. Last evaluated: 2022-06-04. Review status: criteria provided, single submitter. Criteria: Invitae Variant Classification Sherloc (09022015). Collection method: clinical testing. Allele origin: germline.
Comment: In summary, the available evidence is currently insufficient to determine the role of this variant in disease. Therefore, it has been classified as a Variant of Uncertain Significance. Algorithms developed to predict the effect of missense changes on protein structure and function are either unavailable or do not agree on the potential impact of this missense change (SIFT: "Tolerated"; PolyPhen-2: "Possibly Damaging"; Align-GVGD: "Class C0"). ClinVar contains an entry for this variant (Variation ID: 541341). This variant has not been reported in the literature in individuals affected with TRAPPC11-related conditions. This variant is present in population databases (no rsID available, gnomAD 0.007%). This sequence change replaces tyrosine, which is neutral and polar, with histidine, which is basic and polar, at codon 515 of the TRAPPC11 protein (p.Tyr515His).

NM_021942.6(TRAPPC11):c.1543T>C (p.Tyr515His)

Gene: TRAPPC11 (trafficking protein particle complex subunit 11; plus strand). Cytogenetic location: 4q35.1.
Variant type: single nucleotide variant.
Coding change: c.1543T>C on transcript NM_021942.6 (MANE Select); coding-DNA position 1543, T replaced by C.
Protein change: p.Tyr515His; replaces tyrosine 515 with histidine.
Molecular consequence: missense variant.
Genome position (GRCh38, 1-based): chr4:183,684,817, T>C. VCF-style: chr4-183684817-T-C. GRCh37 (hg19) VCF-style: chr4-184605970-T-C.
Other names: c.1543T>C, p.Tyr515His (NM_199053.3); short protein forms Y515H.
Identifiers: ClinVar variation 541341 (VCV000541341.11), dbSNP rs901204498, ClinGen allele CA111850000.
Genomic context (GRCh38, chr4:183,684,817, plus strand): 5'-GTATTAACTACAGCTCTGAAGTGCTCCTACCTCATGGCCCAATTAAAGGATTACATTACT[T>C]ACTCCCTAGAACTCCTTGGTAGAGGTAACCTGATGTTTTTTGAGTAAAATTCTTGATACA-3'
Protein context (NP_068761.4, residues 505-525): LMAQLKDYIT[Tyr515His]SLELLGRAST